The following is an entry in ClinVar:

NM_000069.3(CACNA1S):c.136A>G (p.Ser46Gly)

Gene: CACNA1S (calcium voltage-gated channel subunit alpha1 S; minus strand). Cytogenetic location: 1q32.1.
Variant type: single nucleotide variant.
Coding change: c.136A>G on transcript NM_000069.3 (MANE Select); coding-DNA position 136, A replaced by G.
Protein change: p.Ser46Gly; replaces serine 46 with glycine.
Molecular consequence: missense variant.
Genome position (GRCh38, 1-based): chr1:201,112,204, T>C on the plus strand (A>G on the coding strand, the complement: CACNA1S is on the minus strand). VCF-style: chr1-201112204-T-C. GRCh37 (hg19) VCF-style: chr1-201081332-T-C.
Other names: short protein forms S46G.
Identifiers: ClinVar variation 3070579 (VCV003070579.3), dbSNP rs773923999, ClinGen allele CA344157633.

ClinVar aggregate classification (germline): Conflicting classifications of pathogenicity. Review status: criteria provided, conflicting classifications (1 of 4 stars). 2 submissions from 2 submitters: Uncertain significance (1); Likely benign (1). Last evaluated 2024-06-04.

Conditions:
Malignant hyperthermia, susceptibility to, 5 (MHS5). Also called: CACNA1S-Related Malignant Hyperthermia Susceptibility. Identifiers: Orphanet 423, MedGen C1866077, MONDO:0011163, OMIM 601887.
Hypokalemic periodic paralysis, type 1. Also called: HypoPP; Hypokalemic Periodic Paralysis Type 1 (AD). Identifiers: Orphanet 681, MedGen C3714580, MONDO:0042979, OMIM 170400.

gnomAD v4.1: 13 of 1,613,528 alleles (0.00081%); highest among the groups gnomAD compares: South Asian, 0.0099%; no homozygotes.

Submissions (2):

Labcorp Genetics (formerly Invitae), Labcorp
Classification: Likely benign for Hypokalemic periodic paralysis, type 1; Malignant hyperthermia, susceptibility to, 5. Last evaluated: 2024-06-04. Review status: criteria provided, single submitter. Criteria: Invitae Variant Classification Sherloc (09022015). Collection method: clinical testing. Allele origin: germline.

All of Us Research Program, National Institutes of Health
Classification: Uncertain significance for Malignant hyperthermia, susceptibility to, 5. Last evaluated: 2023-04-27. Review status: criteria provided, single submitter. Criteria: ACMG Guidelines, 2015. Collection method: clinical testing. Allele origin: germline. Inheritance: Autosomal dominant inheritance. Observed: 1 variant allele, 1 heterozygote.
Comment: This study involves interpretation of variants in research participants for the purpose of population health screening. Participant phenotype was not available at the time of variant classification. Additional details can be found in publication PMID: 35346344, PMCID: PMC8962531